The following is an entry in ClinVar:

NM_000526.5(KRT14):c.52T>G (p.Cys18Gly)

Gene: KRT14 (keratin 14; minus strand). Cytogenetic location: 17q21.2.
Variant type: single nucleotide variant.
Coding change: c.52T>G on transcript NM_000526.5 (MANE Select); coding-DNA position 52, T replaced by G.
Protein change: p.Cys18Gly; replaces cysteine 18 with glycine.
Molecular consequence: missense variant.
Genome position (GRCh38, 1-based): chr17:41,586,783, A>C on the plus strand (T>G on the coding strand, the complement: KRT14 is on the minus strand). VCF-style: chr17-41586783-A-C. GRCh37 (hg19) VCF-style: chr17-39743035-A-C.
Other names: short protein forms C18G.
Identifiers: ClinVar variation 2790348 (VCV002790348.3), dbSNP rs1159749209, ClinGen allele CA399483830.
Genomic context (GRCh38, chr17:41,586,783, plus strand): 5'-CTCCGGCCAGGACGGAGGAGATGCGGCTGGAGCCGCCCCCGATGCCGCCCCCGATGCCGC[A>C]GGAGCCCTTCATGGAGCTGGAGGAGGTGAACTGGCGGCTGCAGGTGGTCATGGTGCAGAG-3'
Protein context (NP_000517.3, residues 8-28): FTSSSSMKGS[Cys18Gly]GIGGGIGGGS

ClinVar aggregate classification (germline): Uncertain significance (1 of 4 stars; one submission).

Submission:

Labcorp Genetics (formerly Invitae), Labcorp
Classification: Uncertain significance. Last evaluated: 2023-08-25. Review status: criteria provided, single submitter. Criteria: Invitae Variant Classification Sherloc (09022015). Collection method: clinical testing. Allele origin: germline.
Comment: In summary, the available evidence is currently insufficient to determine the role of this variant in disease. Therefore, it has been classified as a Variant of Uncertain Significance. Advanced modeling of protein sequence and biophysical properties (such as structural, functional, and spatial information, amino acid conservation, physicochemical variation, residue mobility, and thermodynamic stability) performed at Invitae indicates that this missense variant is not expected to disrupt KRT14 protein function. This variant has not been reported in the literature in individuals affected with KRT14-related conditions. This variant is present in population databases (no rsID available, gnomAD 0.002%). This sequence change replaces cysteine, which is neutral and slightly polar, with glycine, which is neutral and non-polar, at codon 18 of the KRT14 protein (p.Cys18Gly).